The following is an entry in ClinVar:

NM_002270.4(TNPO1):c.2544A>G (p.Ala848=)

Gene: TNPO1 (transportin 1; plus strand). Cytogenetic location: 5q13.2.
Variant type: single nucleotide variant.
Coding change: c.2544A>G on transcript NM_002270.4 (MANE Select); coding-DNA position 2544, A replaced by G.
Protein change: p.Ala848=; no amino-acid change (alanine 848 retained).
Molecular consequence: synonymous variant.
Genome position (GRCh38, 1-based): chr5:72,903,738, A>G. VCF-style: chr5-72903738-A-G. GRCh37 (hg19) VCF-style: chr5-72199565-A-G.
Other names: c.2520A>G, p.Ala840= (NM_001364292.3, NM_001364293.3, NM_153188.4); c.2424A>G, p.Ala808= (NM_001364294.3); c.2394A>G, p.Ala798= (NM_001364295.3).
Identifiers: ClinVar variation 3043160 (VCV003043160.2), dbSNP rs2479270486, ClinGen allele CA444839625.
Genomic context (GRCh38, chr5:72,903,738, plus strand): 5'-CAACCTAAGATGTATTTCTTGCTTGTTACAGGATTTTATATTTTTTTGTGATGCCGTTGC[A>G]TCATGGATTAACCCAAAAGATGATCTCAGAGACATGTTCTGTAAGGTAACTAATAAGTCT-3'
Protein context (NP_002261.3, residues 838-858): QDFIFFCDAV[Ala848=]SWINPKDDLR

ClinVar aggregate classification (germline): Likely benign (0 of 4 stars; one submission).

Conditions:
TNPO1-related disorder. Also called: TNPO1-related condition.

Allele frequency attached by ClinVar (database versions not stated): gnomAD exomes below 0.00001.
gnomAD v4.1: 4 of 1,608,190 alleles (0.00025%); highest among the groups gnomAD compares: Non-Finnish European, 0.00034%; no homozygotes.

Submission:

PreventionGenetics, part of Exact Sciences
Classification: Likely benign for TNPO1-related condition. Last evaluated: 2019-07-01. Review status: no assertion criteria provided. Collection method: clinical testing. Allele origin: germline.
Comment: This variant is classified as likely benign based on ACMG/AMP sequence variant interpretation guidelines (Richards et al. 2015 PMID: 25741868, with internal and published modifications).